The following is an entry in ClinVar:

NM_001376.5(DYNC1H1):c.12040G>A (p.Gly4014Arg)

Gene: DYNC1H1 (dynein cytoplasmic 1 heavy chain 1; plus strand). Cytogenetic location: 14q32.31.
Variant type: single nucleotide variant.
Coding change: c.12040G>A on transcript NM_001376.5 (MANE Select); coding-DNA position 12040, G replaced by A.
Protein change: p.Gly4014Arg; replaces glycine 4014 with arginine.
Molecular consequence: missense variant.
Genome position (GRCh38, 1-based): chr14:102,041,672, G>A. VCF-style: chr14-102041672-G-A. GRCh37 (hg19) VCF-style: chr14-102508009-G-A.
Other names: short protein forms G4014R.
Identifiers: ClinVar variation 3671683 (VCV003671683.2).

ClinVar aggregate classification (germline): Uncertain significance (1 of 4 stars; one submission).

Conditions:
Charcot-Marie-Tooth disease axonal type 2O. Also called: CHARCOT-MARIE-TOOTH NEUROPATHY, AXONAL, TYPE 2O; CHARCOT-MARIE-TOOTH DISEASE, AXONAL, AUTOSOMAL DOMINANT, TYPE 2O; Charcot-Marie-Tooth Neuropathy Type 2O; Charcot-Marie-Tooth disease, axonal, type 20. Identifiers: Orphanet 284232, MedGen C3280220, MONDO:0013644, OMIM 614228.

gnomAD v4.1: 6 of 1,614,164 alleles (0.00037%); highest among the groups gnomAD compares: Non-Finnish European, 0.00042%; no homozygotes.

Submission:

Labcorp Genetics (formerly Invitae), Labcorp
Classification: Uncertain significance for Charcot-Marie-Tooth disease axonal type 2O. Last evaluated: 2025-08-30. Review status: criteria provided, single submitter. Criteria: Invitae Variant Classification Sherloc (09022015). Collection method: clinical testing. Allele origin: germline.
Comment: This sequence change replaces glycine, which is neutral and non-polar, with arginine, which is basic and polar, at codon 4014 of the DYNC1H1 protein (p.Gly4014Arg). This variant is not present in population databases (gnomAD no frequency). This variant has not been reported in the literature in individuals affected with DYNC1H1-related conditions. ClinVar contains an entry for this variant (Variation ID: 3671683). Invitae Evidence Modeling of protein sequence and biophysical properties (such as structural, functional, and spatial information, amino acid conservation, physicochemical variation, residue mobility, and thermodynamic stability) has been performed for this missense variant. However, the output from this modeling did not meet the statistical confidence thresholds required to predict the impact of this variant on DYNC1H1 protein function. In summary, the available evidence is currently insufficient to determine the role of this variant in disease. Therefore, it has been classified as a Variant of Uncertain Significance.